The following is an entry in ClinVar:

NM_153704.6(TMEM67):c.158A>G (p.Gln53Arg)

Gene: TMEM67 (transmembrane protein 67; plus strand). Cytogenetic location: 8q22.1.
Variant type: single nucleotide variant.
Coding change: c.158A>G on transcript NM_153704.6 (MANE Select); coding-DNA position 158, A replaced by G.
Protein change: p.Gln53Arg; replaces glutamine 53 with arginine.
Molecular consequence: missense variant. On other transcripts: 5 prime UTR variant (1), non-coding transcript variant (1).
Genome position (GRCh38, 1-based): chr8:93,755,072, A>G. VCF-style: chr8-93755072-A-G. GRCh37 (hg19) VCF-style: chr8-94767300-A-G.
Other names: c.-127A>G (NM_001142301.1); short protein forms Q53R.
Identifiers: ClinVar variation 1998351 (VCV001998351.1), dbSNP rs1812506006, ClinGen allele CA371685366.

ClinVar aggregate classification (germline): Uncertain significance (1 of 4 stars; one submission).

Conditions:
Joubert syndrome. Also called: CEREBELLOPARENCHYMAL DISORDER IV; JOUBERT-BOLTSHAUSER SYNDROME; Familial aplasia of the vermis. Identifiers: Orphanet 475, MedGen C5979921, MONDO:0018772.
Meckel-Gruber syndrome. Also called: DYSENCEPHALIA SPLANCHNOCYSTICA; GRUBER SYNDROME; Dysencephalia splachnocystica. Identifiers: Orphanet 564, MedGen C0265215, MONDO:0018921.

Allele frequency attached by ClinVar (database versions not stated): TOPMed 0.00001.
gnomAD v4.1: 2 of 1,614,214 alleles (0.00012%); highest among the groups gnomAD compares: Admixed American, 0.0017%; no homozygotes.

Submission:

Labcorp Genetics (formerly Invitae), Labcorp
Classification: Uncertain significance for Joubert syndrome; Meckel-Gruber syndrome. Last evaluated: 2022-10-24. Review status: criteria provided, single submitter. Criteria: Invitae Variant Classification Sherloc (09022015). Collection method: clinical testing. Allele origin: germline.
Comment: This sequence change replaces glutamine, which is neutral and polar, with arginine, which is basic and polar, at codon 53 of the TMEM67 protein (p.Gln53Arg). This variant is not present in population databases (gnomAD no frequency). This variant has not been reported in the literature in individuals affected with TMEM67-related conditions. Advanced modeling of protein sequence and biophysical properties (such as structural, functional, and spatial information, amino acid conservation, physicochemical variation, residue mobility, and thermodynamic stability) performed at Invitae indicates that this missense variant is expected to disrupt TMEM67 protein function. In summary, the available evidence is currently insufficient to determine the role of this variant in disease. Therefore, it has been classified as a Variant of Uncertain Significance.